The following is an entry in ClinVar:

ClinVar aggregate classification (germline): Conflicting classifications of pathogenicity. Review status: criteria provided, conflicting classifications (1 of 4 stars). 2 submissions from 2 submitters: Likely pathogenic (1); Uncertain significance (1). Last evaluated 2025-07-21.

Conditions:
Periventricular nodular heterotopia 6 (PVNH6). Identifiers: Orphanet 2149, MedGen C3809872, MONDO:0014240, OMIM 615544.

Allele frequency attached by ClinVar (database versions not stated): gnomAD exomes below 0.00001.
gnomAD v4.1: 1 of 1,613,880 alleles (0.000062%); highest among the groups gnomAD compares: South Asian, 0.0011%; no homozygotes.

Submissions (2):

3billion
Classification: Uncertain significance for Periventricular nodular heterotopia 6. Last evaluated: 2025-07-21. Review status: criteria provided, single submitter. Criteria: ACMG Guidelines, 2015. Collection method: clinical testing. Allele origin: germline. Affected: yes.
Comment: The variant is observed at an extremely low frequency in the gnomAD v4.1.0 dataset (total allele frequency: <0.001%). Predicted Consequence/Location: Canonical splice site: predicted to alter splicing and result in a loss or disruption of normal protein function. However, the contribution of loss-of-function variants in ERMARD to 'Periventricular nodular heterotopia 6' is incompletely understood at this time. In silico tools predict the variant to alter splicing and produce an abnormal transcript [SpliceAI: 1.00 (spliceogenicity >=0.2, non-spliceogenicity <0.1)]. The variant has been reported to be associated with ERMARD-related disorder (ClinVar ID: VCV003068306). However, the evidence of pathogenicity is insufficient at this time. Therefore, this variant is classified as VUS according to the recommendation of ACMG/AMP guideline.

Genomic Medicine Center of Excellence, King Faisal Specialist Hospital and Research Centre
Classification: Likely pathogenic for Periventricular nodular heterotopia 6. Last evaluated: 2024-04-04. Review status: criteria provided, single submitter. Criteria: ACMG Guidelines, 2015. Collection method: clinical testing. Allele origin: germline.

NM_018341.3(ERMARD):c.1395-1G>T

Gene: ERMARD (ER membrane associated RNA degradation; plus strand). Cytogenetic location: 6q27.
Variant type: single nucleotide variant.
Coding change: c.1395-1G>T on transcript NM_018341.3 (MANE Select); the canonical splice acceptor site of the intron before coding-DNA position 1395, G replaced by T.
Molecular consequence: splice acceptor variant.
Genome position (GRCh38, 1-based): chr6:169,775,939, G>T. VCF-style: chr6-169775939-G-T. GRCh37 (hg19) VCF-style: chr6-170176035-G-T.
Other names: c.1395-1G>T (NM_001278531.2, NM_001278533.2); c.1017-1G>T (NM_001278532.2); c.987-1G>T (NM_001410957.1).
Identifiers: ClinVar variation 3068306 (VCV003068306.2), dbSNP rs1793536857, ClinGen allele CA366503397.